The following is an entry in ClinVar:

ClinVar aggregate classification (germline): Uncertain significance. Review status: criteria provided, multiple submitters, no conflicts (2 of 4 stars). 2 submissions from 2 submitters: Uncertain significance (2). Last evaluated 2025-03-19.

Conditions:
Inborn genetic diseases. Identifiers: MedGen C0950123, MeSH D030342.

Allele frequency attached by ClinVar (database versions not stated): gnomAD exomes 0.00001 and below 0.00001; TOPMed 0.00001; ExAC 0.00001; gnomAD 0.00001.
gnomAD v4.1: 11 of 1,613,786 alleles (0.00068%); highest among the groups gnomAD compares: East Asian, 0.0022%; no homozygotes.

Submissions (2):

Ambry Genetics
Classification: Uncertain significance for Inborn genetic diseases. Last evaluated: 2025-03-19. Review status: criteria provided, single submitter. Criteria: Ambry Variant Classification Scheme 2023. Collection method: clinical testing. Allele origin: germline.

Labcorp Genetics (formerly Invitae), Labcorp
Classification: Uncertain significance. Last evaluated: 2022-06-27. Review status: criteria provided, single submitter. Criteria: Invitae Variant Classification Sherloc (09022015). Collection method: clinical testing. Allele origin: germline.
Comment: This sequence change replaces alanine, which is neutral and non-polar, with threonine, which is neutral and polar, at codon 358 of the GRM6 protein (p.Ala358Thr). This variant is present in population databases (rs751541548, gnomAD 0.005%). This variant has not been reported in the literature in individuals affected with GRM6-related conditions. Advanced modeling of protein sequence and biophysical properties (such as structural, functional, and spatial information, amino acid conservation, physicochemical variation, residue mobility, and thermodynamic stability) performed at Invitae indicates that this missense variant is not expected to disrupt GRM6 protein function. In summary, the available evidence is currently insufficient to determine the role of this variant in disease. Therefore, it has been classified as a Variant of Uncertain Significance.

NM_000843.4(GRM6):c.1072G>A (p.Ala358Thr)

Genes: ZNF454 (zinc finger protein 454; plus strand), GRM6 (glutamate metabotropic receptor 6; minus strand). Cytogenetic location: 5q35.3.
Variant type: single nucleotide variant.
Coding change: c.1072G>A on transcript NM_000843.4 (MANE Select); coding-DNA position 1072, G replaced by A.
Protein change: p.Ala358Thr; replaces alanine 358 with threonine.
Molecular consequence: missense variant.
Genome position (GRCh38, 1-based): chr5:178,989,346, C>T on the plus strand (G>A on the coding strand, the complement: GRM6 is on the minus strand). VCF-style: chr5-178989346-C-T. GRCh37 (hg19) VCF-style: chr5-178416347-C-T.
Other names: c.1072G>A (NM_000843.3); short protein forms A358T.
Identifiers: ClinVar variation 1515746 (VCV001515746.8), dbSNP rs751541548, ClinGen allele CA3594241.